The following is an entry in ClinVar:

NM_006846.4(SPINK5):c.2412C>T (p.Gly804=)

Gene: SPINK5 (serine peptidase inhibitor Kazal type 5; plus strand). Cytogenetic location: 5q32.
Variant type: single nucleotide variant.
Coding change: c.2412C>T on transcript NM_006846.4 (MANE Select); coding-DNA position 2412, C replaced by T.
Protein change: p.Gly804=; no amino-acid change (glycine 804 retained).
Molecular consequence: synonymous variant.
Genome position (GRCh38, 1-based): chr5:148,120,107, C>T. VCF-style: chr5-148120107-C-T. GRCh37 (hg19) VCF-style: chr5-147499670-C-T.
Other names: p.Gly804=; c.2412C>T, p.Gly804= (NM_001127698.2, NM_001127699.2).
Identifiers: ClinVar variation 260051 (VCV000260051.27), dbSNP rs33920397, ClinGen allele CA3495978.

ClinVar aggregate classification (germline): Benign/Likely benign. Review status: criteria provided, multiple submitters, no conflicts (2 of 4 stars). 10 submissions from 10 submitters: Benign (9); Likely benign (1). Last evaluated 2026-02-04.

Conditions:
Netherton syndrome (NETH). Also called: NETHERTON DISEASE; ERYTHRODERMA, ICHTHYOSIFORM, WITH HYPOTRICHOSIS AND HYPER-IgE; COMEL-NETHERTON SYNDROME. Identifiers: Orphanet 634, MedGen C5574950, MONDO:0009735, OMIM 256500.
Ichthyosis linearis circumflexa. Identifiers: MedGen C0265962, MONDO:0043106, HP:0025810.

Allele frequency attached by ClinVar (database versions not stated): 1000 Genomes Project 30x 0.48829; 1000 Genomes Project 0.48842; TOPMed 0.53622; ESP Exome Variant Server 0.53979; gnomAD 0.54161 and 0.54208; ExAC 0.58251.
gnomAD v4.1: 968,511 of 1,612,934 alleles (60%); highest among the groups gnomAD compares: Admixed American, 70%; 295,935 homozygotes.

Submissions (10):

Labcorp Genetics (formerly Invitae), Labcorp
Classification: Benign for Ichthyosis linearis circumflexa. Last evaluated: 2026-02-04. Review status: criteria provided, single submitter. Criteria: Invitae Variant Classification Sherloc (09022015). Collection method: clinical testing. Allele origin: germline.

Women's Health and Genetics/Laboratory Corporation of America, LabCorp
Classification: Benign. Last evaluated: 2026-01-08. Review status: criteria provided, single submitter. Criteria: LabCorp Variant Classification Summary - May 2015. Collection method: clinical testing. Allele origin: germline.
Comment: Variant summary: SPINK5 c.2412C>T alters a conserved nucleotide resulting in a synonymous change. Several computational tools predict a significant impact on normal splicing: Four predict the variant creates a 5' donor site. However, these predictions have yet to be confirmed by functional studies. The variant allele was found at a frequency of 0.59 in 249272 control chromosomes, suggesting that it is the major allele and therefore benign. The observed variant frequency exceeds the estimated maximal expected allele frequency for disease-causing variants in SPINK5. To our knowledge, no occurrence of c.2412C>T in individuals affected with SPINK5-related conditions and no experimental evidence demonstrating its impact on protein function have been reported. ClinVar contains an entry for this variant (Variation ID: 260051). Based on the evidence outlined above, the variant was classified as benign.

Blueprint Genetics
Classification: Likely benign. Last evaluated: 2024-11-26. Review status: criteria provided, single submitter. Criteria: ACMG Guidelines, 2015. Collection method: clinical testing. Allele origin: germline.

Unidad de Genómica Garrahan, Hospital de Pediatría Garrahan
Classification: Benign. Last evaluated: 2024-01-24. Review status: criteria provided, single submitter. Criteria: ACMG Guidelines, 2015. Collection method: clinical testing. Allele origin: germline. Affected: no. Observed: 80 variant alleles.
Comment: This variant is classified as Benign based on local population frequency. This variant was detected in 91% of patients studied by a panel of primary immunodeficiencies. Number of patients: 80. Only high quality variants are reported.

Genome-Nilou Lab
Classification: Benign for Netherton syndrome. Last evaluated: 2021-07-15. Review status: criteria provided, single submitter. Criteria: ACMG Guidelines, 2015. Collection method: clinical testing. Allele origin: germline. Affected: no.

Mayo Clinic Laboratories, Mayo Clinic
Classification: Benign. Last evaluated: 2018-06-05. Review status: criteria provided, single submitter. Criteria: ACMG Guidelines, 2015. Collection method: clinical testing. Allele origin: germline. Observed: 108 variant alleles.

Illumina Laboratory Services, Illumina
Classification: Benign for Netherton syndrome. Last evaluated: 2018-01-12. Review status: criteria provided, single submitter. Criteria: ICSL Variant Classification Criteria 13 December 2019. Collection method: clinical testing. Allele origin: germline.
Comment: This variant was observed in the ICSL laboratory as part of a predisposition screen in an ostensibly healthy population. It had not been previously curated by ICSL or reported in the Human Gene Mutation Database (HGMD: prior to June 1st, 2018), and was therefore a candidate for classification through an automated scoring system. Utilizing variant allele frequency, disease prevalence and penetrance estimates, and inheritance mode, an automated score was calculated to assess if this variant is too frequent to cause the disease. Based on the score and internal cut-off values, a variant classified as benign is not then subjected to further curation. The score for this variant resulted in a classification of benign for this disease.

Laboratory for Molecular Medicine, Mass General Brigham Personalized Medicine
Classification: Benign. Last evaluated: 2016-03-28. Review status: criteria provided, single submitter. Criteria: LMM Criteria. Collection method: clinical testing. Allele origin: germline.
Comment: Variant identified in a genome or exome case(s) and assessed due to predicted null impact of the variant or pathogenic assertions in the literature or databases. Disclaimer: This variant has not undergone full assessment. The following are preliminary notes: Frequency

GeneDx
Classification: Benign. Last evaluated: 2015-03-03. Review status: criteria provided, single submitter. Criteria: GeneDx Variant Classification Process June 2021. Collection method: clinical testing. Allele origin: germline. Affected: yes.

PreventionGenetics, part of Exact Sciences
Classification: Benign. Review status: criteria provided, single submitter. Criteria: ACMG Guidelines, 2015. Collection method: clinical testing. Allele origin: germline.